The following is an entry in ClinVar:

NM_182641.4(BPTF):c.1074G>C (p.Glu358Asp)

Gene: BPTF (bromodomain PHD finger transcription factor; plus strand). Cytogenetic location: 17q24.2.
Variant type: single nucleotide variant.
Coding change: c.1074G>C on transcript NM_182641.4 (MANE Select); coding-DNA position 1074, G replaced by C.
Protein change: p.Glu358Asp; replaces glutamic acid 358 with aspartic acid.
Molecular consequence: missense variant.
Genome position (GRCh38, 1-based): chr17:67,854,400, G>C. VCF-style: chr17-67854400-G-C. GRCh37 (hg19) VCF-style: chr17-65850516-G-C.
Other names: c.1074G>C, p.Glu358Asp (NM_004459.7); c.1074G>C (NM_182641.3); short protein forms E358D.
Identifiers: ClinVar variation 1805684 (VCV001805684.6), dbSNP rs991755344, ClinGen allele CA293250110.

ClinVar aggregate classification (germline): Uncertain significance. Review status: criteria provided, multiple submitters, no conflicts (2 of 4 stars). 3 submissions from 3 submitters: Uncertain significance (3). Last evaluated 2025-06-26.

Conditions:
Inborn genetic diseases. Identifiers: MedGen C0950123, MeSH D030342.
Neurodevelopmental disorder with dysmorphic facies and distal limb anomalies. Identifiers: Orphanet 686482, MedGen C4540327, MONDO:0060596, OMIM 617755.

Allele frequency attached by ClinVar (database versions not stated): TOPMed 0.00001; gnomAD 0.00004.
gnomAD v4.1: 12 of 1,614,056 alleles (0.00074%); highest among the groups gnomAD compares: Admixed American, 0.01%; no homozygotes.

Submissions (3):

Ambry Genetics
Classification: Uncertain significance for Inborn genetic diseases. Last evaluated: 2025-06-26. Review status: criteria provided, single submitter. Criteria: Ambry Variant Classification Scheme 2023. Collection method: clinical testing. Allele origin: germline.

Labcorp Genetics (formerly Invitae), Labcorp
Classification: Uncertain significance. Last evaluated: 2024-07-06. Review status: criteria provided, single submitter. Criteria: Invitae Variant Classification Sherloc (09022015). Collection method: clinical testing. Allele origin: germline.
Comment: This sequence change replaces glutamic acid, which is acidic and polar, with aspartic acid, which is acidic and polar, at codon 358 of the BPTF protein (p.Glu358Asp). This variant is not present in population databases (gnomAD no frequency). This variant has not been reported in the literature in individuals affected with BPTF-related conditions. ClinVar contains an entry for this variant (Variation ID: 1805684). An algorithm developed to predict the effect of missense changes on protein structure and function (PolyPhen-2) suggests that this variant is likely to be tolerated. In summary, the available evidence is currently insufficient to determine the role of this variant in disease. Therefore, it has been classified as a Variant of Uncertain Significance.

Victorian Clinical Genetics Services, Murdoch Childrens Research Institute
Classification: Uncertain significance for Neurodevelopmental disorder with dysmorphic facies and distal limb anomalies. Last evaluated: 2019-08-28. Review status: criteria provided, single submitter. Criteria: ACMG Guidelines, 2015. Collection method: clinical testing. Allele origin: germline. Inheritance: Autosomal dominant inheritance.
Comment: A heterozygous missense variant, NM_004459.6(BPTF):c.1074G>C, has been identified in exon 2 of 30 of the BPTF gene. The variant is predicted to result in a minor amino acid change from glutamic acid to aspartic acid at position 358 of the protein (NP_004450.3(BPTF):p.(Glu358Asp)). The glutamic acid residue at this position has low conservation (100 vertebrates, UCSC), and is located within the WHIM1 domain. In silico predictions of pathogenicity for this variant are conflicting (Polyphen, SIFT, CADD, Mutation Taster). The variant is absent in the gnomAD population database. This variant has not been previously reported in clinical cases. Based on the information available at the time of curation, this variant has been classified as VARIANT of UNCERTAIN SIGNIFICANCE (VUS) with LOW CLINICAL RELEVANCE.